The following is an entry in ClinVar:

NM_006421.5(ARFGEF1):c.4526T>C (p.Ile1509Thr)

Gene: ARFGEF1 (ARF guanine nucleotide exchange factor 1; minus strand). Cytogenetic location: 8q13.2.
Variant type: single nucleotide variant.
Coding change: c.4526T>C on transcript NM_006421.5 (MANE Select); coding-DNA position 4526, T replaced by C.
Protein change: p.Ile1509Thr; replaces isoleucine 1509 with threonine.
Molecular consequence: missense variant.
Genome position (GRCh38, 1-based): chr8:67,217,869, A>G on the plus strand (T>C on the coding strand, the complement: ARFGEF1 is on the minus strand). VCF-style: chr8-67217869-A-G. GRCh37 (hg19) VCF-style: chr8-68130104-A-G.
Other names: c.4526T>C, p.Ile1509Thr (NM_001413184.1, NM_001413185.1, NM_001413186.1 and 5 more transcripts); c.3926T>C, p.Ile1309Thr (NM_001413188.1, NM_001413193.1, NM_001413197.1); c.4520T>C, p.Ile1507Thr (NM_001413190.1); c.3101T>C, p.Ile1034Thr (NM_001413196.1); short protein forms I1509T, I1034T, I1309T, I1507T.
Identifiers: ClinVar variation 1968554 (VCV001968554.5), dbSNP rs2491286010, ClinGen allele CA371188766.

ClinVar aggregate classification (germline): Uncertain significance (1 of 4 stars; one submission).

Submission:

Labcorp Genetics (formerly Invitae), Labcorp
Classification: Uncertain significance. Last evaluated: 2024-09-08. Review status: criteria provided, single submitter. Criteria: Invitae Variant Classification Sherloc (09022015). Collection method: clinical testing. Allele origin: germline.
Comment: This sequence change replaces isoleucine, which is neutral and non-polar, with threonine, which is neutral and polar, at codon 1509 of the ARFGEF1 protein (p.Ile1509Thr). This variant is not present in population databases (gnomAD no frequency). This variant has not been reported in the literature in individuals affected with ARFGEF1-related conditions. ClinVar contains an entry for this variant (Variation ID: 1968554). An algorithm developed to predict the effect of missense changes on protein structure and function (PolyPhen-2) suggests that this variant is likely to be disruptive. In summary, the available evidence is currently insufficient to determine the role of this variant in disease. Therefore, it has been classified as a Variant of Uncertain Significance.